The following is an entry in ClinVar:

ClinVar aggregate classification (germline): Uncertain significance (1 of 4 stars; one submission).

Conditions:
Congenital myasthenic syndrome 17. Identifiers: Orphanet 590, MedGen C4225377, MONDO:0014578, OMIM 616304.
Cenani-Lenz syndactyly syndrome. Also called: CENANI SYNDACTYLISM; SYNDACTYLY, TYPE VII. Identifiers: Orphanet 3258, MedGen C1859309, MONDO:0008931, OMIM 212780.
Sclerosteosis 2 (SOST2). Identifiers: Orphanet 3152, MedGen C3280402, MONDO:0013679, OMIM 614305.

Allele frequency attached by ClinVar (database versions not stated): TOPMed below 0.00001; ExAC 0.00001; gnomAD 0.00001.

Submission:

Labcorp Genetics (formerly Invitae), Labcorp
Classification: Uncertain significance for Cenani-Lenz syndactyly syndrome; Sclerosteosis 2; Congenital myasthenic syndrome 17. Last evaluated: 2024-04-29. Review status: criteria provided, single submitter. Criteria: Invitae Variant Classification Sherloc (09022015). Collection method: clinical testing. Allele origin: germline.
Comment: This sequence change replaces glycine, which is neutral and non-polar, with serine, which is neutral and polar, at codon 354 of the LRP4 protein (p.Gly354Ser). This variant is present in population databases (rs780738790, gnomAD 0.0009%). This variant has not been reported in the literature in individuals affected with LRP4-related conditions. ClinVar contains an entry for this variant (Variation ID: 2153882). An algorithm developed to predict the effect of missense changes on protein structure and function (PolyPhen-2) suggests that this variant¬¨‚Ä†is likely to be tolerated. In summary, the available evidence is currently insufficient to determine the role of this variant in disease. Therefore, it has been classified as a Variant of Uncertain Significance.

NM_002334.4(LRP4):c.1060G>A (p.Gly354Ser)

Gene: LRP4 (LDL receptor related protein 4; minus strand). Cytogenetic location: 11p11.2.
Variant type: single nucleotide variant.
Coding change: c.1060G>A on transcript NM_002334.4 (MANE Select); coding-DNA position 1060, G replaced by A.
Protein change: p.Gly354Ser; replaces glycine 354 with serine.
Molecular consequence: missense variant.
Genome position (GRCh38, 1-based): chr11:46,896,007, C>T on the plus strand (G>A on the coding strand, the complement: LRP4 is on the minus strand). VCF-style: chr11-46896007-C-T. GRCh37 (hg19) VCF-style: chr11-46917558-C-T.
Other names: short protein forms G354S.
Identifiers: ClinVar variation 2153882 (VCV002153882.3), dbSNP rs780738790, ClinGen allele CA5970270.